The following is an entry in ClinVar:

NM_198253.3(TERT):c.1324del (p.Asp442fs)

Gene: TERT (telomerase reverse transcriptase; minus strand). Cytogenetic location: 5p15.33.
Variant type: Deletion.
Coding change: c.1324del on transcript NM_198253.3 (MANE Select); coding-DNA position 1324, one base deleted (G; older notation c.1324delG).
Protein change: p.Asp442fs; shifts the reading frame from aspartic acid 442.
Molecular consequence: frameshift variant. On other transcripts: non-coding transcript variant (2).
Genome position (GRCh38, 1-based): chr5:1,293,562, C deleted on the plus strand (G on the coding strand, the reverse complement: TERT is on the minus strand); the first of 2 consecutive C bases (chr5:1,293,562-1,293,563); deleting either gives the same sequence. VCF-style (leftmost placement, unchanged base first): chr5-1293561-TC-T. GRCh37 (hg19) VCF-style: chr5-1293676-TC-T.
Other names: c.1324del, p.Asp442fs (NM_001193376.3); short protein forms D442fs.
Identifiers: ClinVar variation 3897748 (VCV003897748.1).

ClinVar aggregate classification (oncogenicity): Likely oncogenic (1 of 4 stars; one submission).

Conditions:
Meningioma. Also called: Meningioma, somatic. Identifiers: Orphanet 2495, MedGen C0025286, MONDO:0016642, HP:0002858.

Submission:

Dr. Guy Rouleau's laboratory, McGill University
Classification: Likely oncogenic for Meningioma. Last evaluated: 2025-03-30. Review status: criteria provided, single submitter. Criteria: ClinGen/CGC/VICC Guidelines for Oncogenicity, 2022. Collection method: research. Allele origin: somatic. Affected: yes.
Comment: This frameshift variant generates a premature translational stop signal (p.Asp442Ter) in the TERT gene, which is expected to result in an absent or disrupted protein product. Loss-of-function variants in TERT are well-established as pathogenic (PMIDs: 16247010, 17460043, 32923861). This somatic variant was identified in a paired tumor-blood sequencing study of meningiomas. However, it has not been reported in population databases (gnomAD v2.1.1: no frequency).